The following is an entry in ClinVar:

NM_000504.4(F10):c.947A>G (p.Lys316Arg)

Genes: F10 (coagulation factor X; plus strand), F10-AS2 (F10 antisense RNA 2; minus strand). Cytogenetic location: 13q34.
Variant type: single nucleotide variant.
Coding change: c.947A>G on transcript NM_000504.4 (MANE Select); coding-DNA position 947, A replaced by G.
Protein change: p.Lys316Arg; replaces lysine 316 with arginine.
Molecular consequence: missense variant.
Genome position (GRCh38, 1-based): chr13:113,148,997, A>G. VCF-style: chr13-113148997-A-G. GRCh37 (hg19) VCF-style: chr13-113803311-A-G.
Other names: c.815A>G, p.Lys272Arg (NM_001312674.2); c.937A>G, p.Arg313Gly (NM_001312675.2); short protein forms K272R, K316R, R313G.
Identifiers: ClinVar variation 1676734 (VCV001676734.5), dbSNP rs144679674, ClinGen allele CA7060645.

ClinVar aggregate classification (germline): Conflicting classifications of pathogenicity. Review status: criteria provided, conflicting classifications (1 of 4 stars). 2 submissions from 2 submitters: Uncertain significance (1); Likely benign (1). Last evaluated 2020-10-04.

Conditions:
Hereditary factor X deficiency disease. Also called: Congenital factor X deficiency; STUART-PROWER FACTOR DEFICIENCY. Identifiers: Orphanet 328, MedGen C0272327, MONDO:0009212, OMIM 227600.

Allele frequency attached by ClinVar (database versions not stated): 1000 Genomes Project 30x 0.00016; 1000 Genomes Project 0.00020; ExAC 0.00021; ESP Exome Variant Server 0.00023; gnomAD exomes 0.00023 and 0.00052; gnomAD 0.00030; TOPMed 0.00031.
gnomAD v4.1: 815 of 1,613,594 alleles (0.051%); highest among the groups gnomAD compares: Non-Finnish European, 0.064%; no homozygotes.

Submissions (2):

Labcorp Genetics (formerly Invitae), Labcorp
Classification: Likely benign. Last evaluated: 2020-10-04. Review status: criteria provided, single submitter. Criteria: Invitae Variant Classification Sherloc (09022015). Collection method: clinical testing. Allele origin: germline.

ISTH-SSC Genomics in Thrombosis and Hemostasis, KU Leuven, Center for Molecular and Vascular Biology
Classification: Uncertain significance for Hereditary factor X deficiency disease. Review status: criteria provided, single submitter. Criteria: ACMG Guidelines, 2015. Collection method: clinical testing. Allele origin: unknown. Affected: yes.
Comment: Submitted to GoldVariant by Kathleen Freson, Center for Molecular and Vascular Biology, Leuven, Belgium

Literature cited by the submitters: PubMed 34355501 (cited by ISTH-SSC Genomics in Thrombosis and Hemostasis, KU Leuven, Center for Molecular and Vascular Biology).